The following is an entry in ClinVar:

ClinVar aggregate classification (germline): Uncertain significance. Review status: criteria provided, multiple submitters, no conflicts (2 of 4 stars). 2 submissions from 2 submitters: Uncertain significance (2). Last evaluated 2025-09-01.

Conditions:
Inborn genetic diseases. Identifiers: MedGen C0950123, MeSH D030342.
3-hydroxy-3-methylglutaryl-CoA synthase deficiency (HMGCS2D). Also called: HMGCS2 DEFICIENCY; MITOCHONDRIAL HMG-CoA SYNTHASE DEFICIENCY; HMG-CoA synthase-2 deficiency. Identifiers: Orphanet 35701, MedGen C2751532, MONDO:0011614, OMIM 605911.

Allele frequency attached by ClinVar (database versions not stated): ExAC 0.00001; 1000 Genomes Project 30x 0.00016; 1000 Genomes Project 0.00020.
gnomAD v4.1: 3 of 1,613,956 alleles (0.00019%); highest among the groups gnomAD compares: East Asian, 0.0067%; no homozygotes.

Submissions (2):

Ambry Genetics
Classification: Uncertain significance for Inborn genetic diseases. Last evaluated: 2025-09-01. Review status: criteria provided, single submitter. Criteria: Ambry Variant Classification Scheme 2023. Collection method: clinical testing. Allele origin: germline.

Labcorp Genetics (formerly Invitae), Labcorp
Classification: Uncertain significance for 3-hydroxy-3-methylglutaryl-CoA synthase deficiency. Last evaluated: 2022-05-25. Review status: criteria provided, single submitter. Criteria: Invitae Variant Classification Sherloc (09022015). Collection method: clinical testing. Allele origin: germline.
Comment: In summary, the available evidence is currently insufficient to determine the role of this variant in disease. Therefore, it has been classified as a Variant of Uncertain Significance. Algorithms developed to predict the effect of missense changes on protein structure and function (SIFT, PolyPhen-2, Align-GVGD) all suggest that this variant is likely to be tolerated. This sequence change replaces arginine, which is basic and polar, with serine, which is neutral and polar, at codon 10 of the HMGCS2 protein (p.Arg10Ser). This variant has not been reported in the literature in individuals affected with HMGCS2-related conditions. This variant is present in population databases (rs373202578, gnomAD 0.006%).

NM_005518.4(HMGCS2):c.28C>A (p.Arg10Ser)

Gene: HMGCS2 (3-hydroxy-3-methylglutaryl-CoA synthase 2; minus strand). Cytogenetic location: 1p12.
Variant type: single nucleotide variant.
Coding change: c.28C>A on transcript NM_005518.4 (MANE Select); coding-DNA position 28, C replaced by A.
Protein change: p.Arg10Ser; replaces arginine 10 with serine.
Molecular consequence: missense variant.
Genome position (GRCh38, 1-based): chr1:119,768,817, G>T on the plus strand (C>A on the coding strand, the complement: HMGCS2 is on the minus strand). VCF-style: chr1-119768817-G-T. GRCh37 (hg19) VCF-style: chr1-120311440-G-T.
Other names: c.28C>A, p.Arg10Ser (NM_001166107.1); short protein forms R10S.
Identifiers: ClinVar variation 1984230 (VCV001984230.7), dbSNP rs373202578, ClinGen allele CA1037998.